The following is an entry in ClinVar:

ClinVar aggregate classification (germline): Conflicting classifications of pathogenicity. Review status: criteria provided, conflicting classifications (1 of 4 stars). 7 submissions from 7 submitters: Uncertain significance (6); Likely benign (1). Last evaluated 2025-12-11.

Conditions:
Cardiovascular phenotype. Identifiers: MedGen CN230736.
Cardiomyopathy (CMYO). Also called: Cardiomyopathies. Identifiers: Orphanet 167848, MedGen C0878544, MONDO:0004994, HP:0001638. Inheritance: Various modes of inheritance.
Catecholaminergic polymorphic ventricular tachycardia 1. Also called: RYR2-Related Catecholaminergic Polymorphic Ventricular Tachycardia; VENTRICULAR TACHYCARDIA, STRESS-INDUCED POLYMORPHIC 1; VENTRICULAR TACHYCARDIA, CATECHOLAMINERGIC POLYMORPHIC, 1, WITH OR WITHOUT ATRIAL DYSFUNCTION AND/OR DILATED CARDIOMYOPATHY. Identifiers: Orphanet 3286, MedGen C1631597, MONDO:0011484, OMIM 604772.
Catecholaminergic polymorphic ventricular tachycardia (CVPT). Also called: Catecholamine-induced polymorphic ventricular tachycardia. Identifiers: Orphanet 3286, MedGen C5574922, MONDO:0017990.

Allele frequency attached by ClinVar (database versions not stated): gnomAD 0.00001 and 0.00002; gnomAD exomes 0.00002; TOPMed 0.00002; ExAC 0.00009.
gnomAD v4.1: 34 of 1,467,802 alleles (0.0023%); highest among the groups gnomAD compares: South Asian, 0.0046%; no homozygotes.

Submissions (7):

Color Diagnostics, LLC DBA Color Health
Classification: Uncertain significance for Cardiomyopathy. Last evaluated: 2025-12-11. Review status: criteria provided, single submitter. Criteria: ACMG Guidelines, 2015. Collection method: clinical testing. Allele origin: germline.
Comment: This missense variant replaces arginine with tryptophan at codon 2803 of the RYR2 protein. Computational prediction is inconclusive regarding the impact of this variant on protein structure and function. To our knowledge, functional studies have not been reported for this variant. This variant has been reported in an individual affected with cardiac ischemia (doi:10.3390/cardiogenetics12020018) and in an individual self-declared to be healthy (PMID: 35932045). This variant has been identified in 34/1467802 chromosomes in the general population by the Genome Aggregation Database (gnomAD). The available evidence is insufficient to determine the role of this variant in disease conclusively. Therefore, this variant is classified as a Variant of Uncertain Significance.

Labcorp Genetics (formerly Invitae), Labcorp
Classification: Likely benign for Catecholaminergic polymorphic ventricular tachycardia 1. Last evaluated: 2025-09-28. Review status: criteria provided, single submitter. Criteria: Invitae Variant Classification Sherloc (09022015). Collection method: clinical testing. Allele origin: germline.

Women's Health and Genetics/Laboratory Corporation of America, LabCorp
Classification: Uncertain significance. Last evaluated: 2025-07-28. Review status: criteria provided, single submitter. Criteria: LabCorp Variant Classification Summary - May 2015. Collection method: clinical testing. Allele origin: germline.
Comment: Variant summary: RYR2 c.8407C>T (p.Arg2803Trp) results in a non-conservative amino acid change in the encoded protein sequence. Algorithms developed to predict the effect of missense changes on protein structure and function all suggest that this variant is likely to be disruptive. The variant allele was found at a frequency of 2.3e-05 in 128862 control chromosomes. The available data on variant occurrences in the general population are insufficient to allow any conclusion about variant significance. c.8407C>T has been observed in one individual affected with Ischemic heart failure (Cuesta-Llavona_2022). These report(s) do not provide unequivocal conclusions about association of the variant with Catecholaminergic Polymorphic Ventricular Tachycardia. To our knowledge, no experimental evidence demonstrating an impact on protein function has been reported. The following publication has been ascertained in the context of this evaluation (DOI 10.3390/cardiogenetics12020018). ClinVar contains an entry for this variant (Variation ID: 1043759). Based on the evidence outlined above, the variant was classified as uncertain significance.

GeneDx
Classification: Uncertain significance. Last evaluated: 2024-12-10. Review status: criteria provided, single submitter. Criteria: GeneDx Variant Classification Process June 2021. Collection method: clinical testing. Allele origin: germline. Affected: yes.
Comment: Identified in a patient with ischemic cardiomyopathy who also harbored a variant in the JUP gene (Cuesta-Llavona, E et al. (2022) Cardiogenetics(12):198205. DOI 10.3390/cardiogenetics12020018); Not located in one of the three hot-spot regions of the RYR2 gene, where the majority of pathogenic missense variants occur. (PMID: 19926015); In silico analysis supports that this missense variant has a deleterious effect on protein structure/function; This variant is associated with the following publications: (PMID: 19926015)

All of Us Research Program, National Institutes of Health
Classification: Uncertain significance for Catecholaminergic polymorphic ventricular tachycardia. Last evaluated: 2024-08-13. Review status: criteria provided, single submitter. Criteria: ACMG Guidelines, 2015. Collection method: clinical testing. Allele origin: germline. Inheritance: Autosomal dominant inheritance. Observed: 7 variant alleles, 7 heterozygotes.
Comment: This missense variant replaces arginine with tryptophan at codon 2803 of the RYR2 protein. Computational prediction is inconclusive regarding the impact of this variant on protein structure and function (internally defined REVEL score threshold 0.5 < inconclusive < 0.7, PMID: 27666373). To our knowledge, functional studies have not been reported for this variant. This variant has been reported in an individual affected with cardiac ischemia who underwent heart transplantation (doi:10.3390/cardiogenetics12020018). This variant has been identified in 5/160220 chromosomes in the general population by the Genome Aggregation Database (gnomAD). The available evidence is insufficient to determine the role of this variant in disease conclusively. Therefore, this variant is classified as a Variant of Uncertain Significance.

This study involves interpretation of variants in research participants for the purpose of population health screening. Participant phenotype was not available at the time of variant classification. Additional details can be found in publication PMID: 35346344, PMCID: PMC8962531

Ambry Genetics
Classification: Uncertain significance for Cardiovascular phenotype. Last evaluated: 2023-09-12. Review status: criteria provided, single submitter. Criteria: Ambry Variant Classification Scheme 2023. Collection method: clinical testing. Allele origin: germline.
Comment: The p.R2803W variant (also known as c.8407C>T), located in coding exon 56 of the RYR2 gene, results from a C to T substitution at nucleotide position 8407. The arginine at codon 2803 is replaced by tryptophan, an amino acid with dissimilar properties. This amino acid position is well conserved in available vertebrate species. In addition, the in silico prediction for this alteration is inconclusive. Since supporting evidence is limited at this time, the clinical significance of this alteration remains unclear.

Blueprint Genetics
Classification: Uncertain significance. Last evaluated: 2023-07-18. Review status: criteria provided, single submitter. Criteria: ACMG Guidelines, 2015. Collection method: clinical testing. Allele origin: germline.

Literature cited by the submitters: PubMed 35932045 (cited by Color Diagnostics, LLC DBA Color Health).

NM_001035.3(RYR2):c.8407C>T (p.Arg2803Trp)

Gene: RYR2 (ryanodine receptor 2; plus strand). Cytogenetic location: 1q43.
Variant type: single nucleotide variant.
Coding change: c.8407C>T on transcript NM_001035.3 (MANE Select); coding-DNA position 8407, C replaced by T.
Protein change: p.Arg2803Trp; replaces arginine 2803 with tryptophan.
Molecular consequence: missense variant.
Genome position (GRCh38, 1-based): chr1:237,660,918, C>T. VCF-style: chr1-237660918-C-T. GRCh37 (hg19) VCF-style: chr1-237824218-C-T.
Other names: short protein forms R2803W.
Identifiers: ClinVar variation 1043759 (VCV001043759.57), dbSNP rs754674622, ClinGen allele CA087615.